The following is an entry in ClinVar:

NM_001793.6(CDH3):c.2138A>G (p.Tyr713Cys)

Gene: CDH3 (cadherin 3; plus strand). Cytogenetic location: 16q22.1.
Variant type: single nucleotide variant.
Coding change: c.2138A>G on transcript NM_001793.6 (MANE Select); coding-DNA position 2138, A replaced by G.
Protein change: p.Tyr713Cys; replaces tyrosine 713 with cysteine.
Molecular consequence: missense variant.
Genome position (GRCh38, 1-based): chr16:68,695,781, A>G. VCF-style: chr16-68695781-A-G. GRCh37 (hg19) VCF-style: chr16-68729684-A-G.
Other names: c.2138A>G (NM_001793.4); c.2138A>G, p.Tyr713Cys (NM_001317195.3); c.1973A>G, p.Tyr658Cys (NM_001317196.2); short protein forms Y658C, Y713C.
Identifiers: ClinVar variation 963200 (VCV000963200.8), dbSNP rs762002665, ClinGen allele CA8129595.

ClinVar aggregate classification (germline): Uncertain significance. Review status: criteria provided, multiple submitters, no conflicts (2 of 4 stars). 3 submissions from 3 submitters: Uncertain significance (3). Last evaluated 2025-06-16.

Conditions:
Inborn genetic diseases. Identifiers: MedGen C0950123, MeSH D030342.

Allele frequency attached by ClinVar (database versions not stated): gnomAD 0.00001; gnomAD exomes 0.00001 and 0.00003; TOPMed 0.00002; ExAC 0.00005.
gnomAD v4.1: 21 of 1,613,898 alleles (0.0013%); highest among the groups gnomAD compares: Middle Eastern, 0.16%; no homozygotes.

Submissions (3):

Ambry Genetics
Classification: Uncertain significance for Inborn genetic diseases. Last evaluated: 2025-06-16. Review status: criteria provided, single submitter. Criteria: Ambry Variant Classification Scheme 2023. Collection method: clinical testing. Allele origin: germline.

Labcorp Genetics (formerly Invitae), Labcorp
Classification: Uncertain significance. Last evaluated: 2024-10-16. Review status: criteria provided, single submitter. Criteria: Invitae Variant Classification Sherloc (09022015). Collection method: clinical testing. Allele origin: germline.
Comment: This sequence change replaces tyrosine, which is neutral and polar, with cysteine, which is neutral and slightly polar, at codon 713 of the CDH3 protein (p.Tyr713Cys). This variant is present in population databases (rs762002665, gnomAD 0.006%). This variant has not been reported in the literature in individuals affected with CDH3-related conditions. ClinVar contains an entry for this variant (Variation ID: 963200). Invitae Evidence Modeling of protein sequence and biophysical properties (such as structural, functional, and spatial information, amino acid conservation, physicochemical variation, residue mobility, and thermodynamic stability) indicates that this missense variant is not expected to disrupt CDH3 protein function with a negative predictive value of 80%. In summary, the available evidence is currently insufficient to determine the role of this variant in disease. Therefore, it has been classified as a Variant of Uncertain Significance.

Blueprint Genetics
Classification: Uncertain significance. Last evaluated: 2024-02-27. Review status: criteria provided, single submitter. Criteria: ACMG Guidelines, 2015. Collection method: clinical testing. Allele origin: germline.